The following is an entry in ClinVar:

ClinVar aggregate classification (germline): Uncertain significance (1 of 4 stars; one submission).

Conditions:
Bardet-Biedl syndrome (BBS). Identifiers: Orphanet 110, MedGen C0752166, MONDO:0015229.

Submission:

Labcorp Genetics (formerly Invitae), Labcorp
Classification: Uncertain significance for Bardet-Biedl syndrome. Last evaluated: 2022-02-24. Review status: criteria provided, single submitter. Criteria: Invitae Variant Classification Sherloc (09022015). Collection method: clinical testing. Allele origin: germline.
Comment: This variant has not been reported in the literature in individuals affected with WDPCP-related conditions. In summary, the available evidence is currently insufficient to determine the role of this variant in disease. Therefore, it has been classified as a Variant of Uncertain Significance. Algorithms developed to predict the effect of missense changes on protein structure and function (SIFT, PolyPhen-2, Align-GVGD) all suggest that this variant is likely to be tolerated. This variant is not present in population databases (gnomAD no frequency). This sequence change replaces alanine, which is neutral and non-polar, with serine, which is neutral and polar, at codon 230 of the WDPCP protein (p.Ala230Ser).

NM_015910.7(WDPCP):c.688G>T (p.Ala230Ser)

Gene: WDPCP (WD repeat containing planar cell polarity effector; minus strand). Cytogenetic location: 2p15.
Variant type: single nucleotide variant.
Coding change: c.688G>T on transcript NM_015910.7 (MANE Select); coding-DNA position 688, G replaced by T.
Protein change: p.Ala230Ser; replaces alanine 230 with serine.
Molecular consequence: missense variant. On other transcripts: non-coding transcript variant (3).
Genome position (GRCh38, 1-based): chr2:63,433,882, C>A on the plus strand (G>T on the coding strand, the complement: WDPCP is on the minus strand). VCF-style: chr2-63433882-C-A. GRCh37 (hg19) VCF-style: chr2-63661016-C-A.
Other names: c.211G>T, p.Ala71Ser (NM_001042692.3); c.616G>T, p.Ala206Ser (NM_001354044.2); c.688G>T, p.Ala230Ser (NM_001354045.2); short protein forms A71S, A206S, A230S.
Identifiers: ClinVar variation 1413547 (VCV001413547.6), dbSNP rs937072665, ClinGen allele CA347062681.
Genomic context (GRCh38, chr2:63,433,882, plus strand): 5'-AAGCATCATCGTTGACCAGTGGCCACCAGCAAACAACTCTATCATGAACACAGTTGATAG[C>A]TAGATGTCGCTCTGTTGTCTTGTTTATTGGGCCGGGTATTTCATAATAGAAAATCTAACA-3'
Protein context (NP_056994.3, residues 220-240): PINKTTERHL[Ala230Ser]INCVHDRVVC